The following is an entry in ClinVar:

NM_181426.2(CCDC39):c.692T>C (p.Ile231Thr)

Gene: CCDC39 (coiled-coil domain 39 molecular ruler complex subunit; minus strand). Cytogenetic location: 3q26.33.
Variant type: single nucleotide variant.
Coding change: c.692T>C on transcript NM_181426.2 (MANE Select); coding-DNA position 692, T replaced by C.
Protein change: p.Ile231Thr; replaces isoleucine 231 with threonine.
Molecular consequence: missense variant.
Genome position (GRCh38, 1-based): chr3:180,659,498, A>G on the plus strand (T>C on the coding strand, the complement: CCDC39 is on the minus strand). VCF-style: chr3-180659498-A-G. GRCh37 (hg19) VCF-style: chr3-180377286-A-G.
Other names: short protein forms I231T.
Identifiers: ClinVar variation 857553 (VCV000857553.7), dbSNP rs748172583, ClinGen allele CA2716106.

ClinVar aggregate classification (germline): Uncertain significance (1 of 4 stars; one submission).

Conditions:
Primary ciliary dyskinesia. Also called: Ciliary dyskinesia. Identifiers: Orphanet 244, MedGen C0008780, MONDO:0016575, HP:0012265.

Allele frequency attached by ClinVar (database versions not stated): gnomAD exomes below 0.00001 and 0.00001; TOPMed below 0.00001; ExAC 0.00001; gnomAD 0.00001.
gnomAD v4.1: 3 of 1,613,390 alleles (0.00019%); highest among the groups gnomAD compares: Admixed American, 0.0017%; no homozygotes.

Submission:

Labcorp Genetics (formerly Invitae), Labcorp
Classification: Uncertain significance for Primary ciliary dyskinesia. Last evaluated: 2021-08-28. Review status: criteria provided, single submitter. Criteria: Invitae Variant Classification Sherloc (09022015). Collection method: clinical testing. Allele origin: germline.
Comment: This sequence change replaces isoleucine with threonine at codon 231 of the CCDC39 protein (p.Ile231Thr). The isoleucine residue is moderately conserved and there is a moderate physicochemical difference between isoleucine and threonine. This variant is present in population databases (rs748172583, ExAC 0.002%). This variant has not been reported in the literature in individuals affected with CCDC39-related conditions. Algorithms developed to predict the effect of missense changes on protein structure and function are either unavailable or do not agree on the potential impact of this missense change (SIFT: "Deleterious"; PolyPhen-2: "Probably Damaging"; Align-GVGD: "Class C0"). In summary, the available evidence is currently insufficient to determine the role of this variant in disease. Therefore, it has been classified as a Variant of Uncertain Significance.